The following is an entry in ClinVar:

NM_000298.6(PKLR):c.1089G>A (p.Ala363=)

Gene: PKLR (pyruvate kinase L/R; minus strand). Cytogenetic location: 1q22.
Variant type: single nucleotide variant.
Coding change: c.1089G>A on transcript NM_000298.6 (MANE Select); coding-DNA position 1089, G replaced by A.
Protein change: p.Ala363=; no amino-acid change (alanine 363 retained).
Molecular consequence: synonymous variant.
Genome position (GRCh38, 1-based): chr1:155,294,262, C>T on the plus strand (G>A on the coding strand, the complement: PKLR is on the minus strand). VCF-style: chr1-155294262-C-T. GRCh37 (hg19) VCF-style: chr1-155264053-C-T.
Other names: c.996G>A, p.Ala332= (NM_181871.4).
Identifiers: ClinVar variation 1978047 (VCV001978047.6), dbSNP rs773644908, ClinGen allele CA1144121.
Genomic context (GRCh38, chr1:155,294,262, plus strand): 5'-CAGAGTGCCGAACCTCAAGGCCTCACTCCAGACCTGTGTGGCACAGACAACAGGCTTGCC[C>T]GCCAAGTTGCAGCGCCCAATCATCATCTTCTGAGCCAGGAAAACCTTCTCTGCTGGGATC-3'
Protein context (NP_000289.1, residues 353-373): QKMMIGRCNL[Ala363=]GKPVVCATQM

ClinVar aggregate classification (germline): Uncertain significance. Review status: criteria provided, multiple submitters, no conflicts (2 of 4 stars). 2 submissions from 2 submitters: Uncertain significance (2). Last evaluated 2024-10-12.

Allele frequency attached by ClinVar (database versions not stated): TOPMed below 0.00001; gnomAD exomes 0.00001; ExAC 0.00002.

Submissions (2):

Labcorp Genetics (formerly Invitae), Labcorp
Classification: Uncertain significance. Last evaluated: 2024-10-12. Review status: criteria provided, single submitter. Criteria: Invitae Variant Classification Sherloc (09022015). Collection method: clinical testing. Allele origin: germline.
Comment: This sequence change affects codon 363 of the PKLR mRNA. It is a 'silent' change, meaning that it does not change the encoded amino acid sequence of the PKLR protein. This variant is present in population databases (rs773644908, gnomAD 0.01%). This variant has not been reported in the literature in individuals affected with PKLR-related conditions. ClinVar contains an entry for this variant (Variation ID: 1978047). Algorithms developed to predict the effect of sequence changes on RNA splicing suggest that this variant may disrupt the consensus splice site. In summary, the available evidence is currently insufficient to determine the role of this variant in disease. Therefore, it has been classified as a Variant of Uncertain Significance.

Revvity Omics, Revvity
Classification: Uncertain significance. Last evaluated: 2023-11-09. Review status: criteria provided, single submitter. Criteria: ACMG Guidelines, 2015. Collection method: clinical testing. Allele origin: germline.